The following is an entry in ClinVar:

NM_000553.6(WRN):c.4217G>C (p.Arg1406Pro)

Genes: WRN (WRN RecQ like helicase; plus strand), LOC126860342 (MED14-independent group 3 enhancer GRCh37_chr8:31029565-31030764; plus strand). Cytogenetic location: 8p12.
Variant type: single nucleotide variant.
Coding change: c.4217G>C on transcript NM_000553.6 (MANE Select); coding-DNA position 4217, G replaced by C.
Protein change: p.Arg1406Pro; replaces arginine 1406 with proline.
Molecular consequence: missense variant.
Genome position (GRCh38, 1-based): chr8:31,173,020, G>C. VCF-style: chr8-31173020-G-C. GRCh37 (hg19) VCF-style: chr8-31030536-G-C.
Other names: c.4217G>C (NM_000553.4); short protein forms R1406P.
Identifiers: ClinVar variation 1059963 (VCV001059963.2), dbSNP rs758132889, ClinGen allele CA370911616.

ClinVar aggregate classification (germline): Uncertain significance. Review status: criteria provided, multiple submitters, no conflicts (2 of 4 stars). 2 submissions from 2 submitters: Uncertain significance (2). Last evaluated 2023-12-14.

Conditions:
Werner syndrome (WRN). Identifiers: Orphanet 902, MedGen C0043119, MONDO:0010196, OMIM 277700.
Inborn genetic diseases. Identifiers: MedGen C0950123, MeSH D030342.

gnomAD v4.1: 6 of 1,613,778 alleles (0.00037%); highest among the groups gnomAD compares: African/African-American, 0.0013%; no homozygotes.

Submissions (2):

Ambry Genetics
Classification: Uncertain significance for Inborn genetic diseases. Last evaluated: 2023-12-14. Review status: criteria provided, single submitter. Criteria: Ambry Variant Classification Scheme 2023. Collection method: clinical testing. Allele origin: germline.

Labcorp Genetics (formerly Invitae), Labcorp
Classification: Uncertain significance for Werner syndrome. Last evaluated: 2020-05-14. Review status: criteria provided, single submitter. Criteria: Invitae Variant Classification Sherloc (09022015). Collection method: clinical testing. Allele origin: germline.
Comment: This sequence change replaces arginine with proline at codon 1406 of the WRN protein (p.Arg1406Pro). The arginine residue is weakly conserved and there is a moderate physicochemical difference between arginine and proline. This variant is not present in population databases (ExAC no frequency). This variant has not been reported in the literature in individuals with WRN-related conditions. Algorithms developed to predict the effect of missense changes on protein structure and function are either unavailable or do not agree on the potential impact of this missense change (SIFT: Not Available; PolyPhen-2: Benign; Align-GVGD: Not Available). In summary, the available evidence is currently insufficient to determine the role of this variant in disease. Therefore, it has been classified as a Variant of Uncertain Significance.